The following is an entry in ClinVar:

NM_015512.5(DNAH1):c.2144T>A (p.Leu715Gln)

Gene: DNAH1 (dynein axonemal heavy chain 1; plus strand). Cytogenetic location: 3p21.1.
Variant type: single nucleotide variant.
Coding change: c.2144T>A on transcript NM_015512.5 (MANE Select); coding-DNA position 2144, T replaced by A.
Protein change: p.Leu715Gln; replaces leucine 715 with glutamine.
Molecular consequence: missense variant.
Genome position (GRCh38, 1-based): chr3:52,348,925, T>A. VCF-style: chr3-52348925-T-A. GRCh37 (hg19) VCF-style: chr3-52382941-T-A.
Other names: short protein forms L715Q.
Identifiers: ClinVar variation 571188 (VCV000571188.3), dbSNP rs867803314, ClinGen allele CA74739931.

ClinVar aggregate classification (germline): Uncertain significance (1 of 4 stars; one submission).

Conditions:
Spermatogenic failure 18. Identifiers: MedGen C4539783, MONDO:0054615, OMIM 617576.
Ciliary dyskinesia, primary, 37 (CILD37). Also called: CILIARY DYSKINESIA, PRIMARY, 37, WITH OR WITHOUT SITUS INVERSUS. Identifiers: MedGen C4539798, MONDO:0033204, OMIM 617577.

Allele frequency attached by ClinVar (database versions not stated): TOPMed below 0.00001; gnomAD 0.00001; gnomAD exomes 0.00001.
gnomAD v4.1: 8 of 1,613,306 alleles (0.0005%); highest among the groups gnomAD compares: Middle Eastern, 0.099%; no homozygotes.

Submission:

Labcorp Genetics (formerly Invitae), Labcorp
Classification: Uncertain significance for Ciliary dyskinesia, primary, 37; Spermatogenic failure 18. Last evaluated: 2022-07-03. Review status: criteria provided, single submitter. Criteria: Invitae Variant Classification Sherloc (09022015). Collection method: clinical testing. Allele origin: germline.
Comment: This sequence change replaces leucine, which is neutral and non-polar, with glutamine, which is neutral and polar, at codon 715 of the DNAH1 protein (p.Leu715Gln). This variant is present in population databases (no rsID available, gnomAD 0.002%). This variant has not been reported in the literature in individuals affected with DNAH1-related conditions. ClinVar contains an entry for this variant (Variation ID: 571188). Algorithms developed to predict the effect of missense changes on protein structure and function are either unavailable or do not agree on the potential impact of this missense change (SIFT: "Deleterious"; PolyPhen-2: "Benign"; Align-GVGD: "Class C0"). Algorithms developed to predict the effect of sequence changes on RNA splicing suggest that this variant may create or strengthen a splice site. In summary, the available evidence is currently insufficient to determine the role of this variant in disease. Therefore, it has been classified as a Variant of Uncertain Significance.